The following is an entry in ClinVar:

ClinVar aggregate classification (germline): Uncertain significance (1 of 4 stars; one submission).

Allele frequency attached by ClinVar (database versions not stated): ExAC 0.00002; TOPMed 0.00007.

Submission:

Labcorp Genetics (formerly Invitae), Labcorp
Classification: Uncertain significance. Last evaluated: 2022-06-29. Review status: criteria provided, single submitter. Criteria: Invitae Variant Classification Sherloc (09022015). Collection method: clinical testing. Allele origin: germline.
Comment: This sequence change replaces arginine, which is basic and polar, with tryptophan, which is neutral and slightly polar, at codon 69 of the IL2RB protein (p.Arg69Trp). This variant is present in population databases (rs117728347, gnomAD 0.01%). This variant has not been reported in the literature in individuals affected with IL2RB-related conditions. Algorithms developed to predict the effect of missense changes on protein structure and function are either unavailable or do not agree on the potential impact of this missense change (SIFT: "Deleterious"; PolyPhen-2: "Benign"; Align-GVGD: "Class C0"). Algorithms developed to predict the effect of sequence changes on RNA splicing suggest that this variant may create or strengthen a splice site. In summary, the available evidence is currently insufficient to determine the role of this variant in disease. Therefore, it has been classified as a Variant of Uncertain Significance.

NM_000878.5(IL2RB):c.205C>T (p.Arg69Trp)

Gene: IL2RB (interleukin 2 receptor subunit beta; minus strand). Cytogenetic location: 22q12.3.
Variant type: single nucleotide variant.
Coding change: c.205C>T on transcript NM_000878.5 (MANE Select); coding-DNA position 205, C replaced by T.
Protein change: p.Arg69Trp; replaces arginine 69 with tryptophan.
Molecular consequence: missense variant.
Genome position (GRCh38, 1-based): chr22:37,142,511, G>A on the plus strand (C>T on the coding strand, the complement: IL2RB is on the minus strand). VCF-style: chr22-37142511-G-A. GRCh37 (hg19) VCF-style: chr22-37538551-G-A.
Other names: c.205C>T, p.Arg69Trp (NM_001346222.1, NM_001346223.2); short protein forms R69W.
Identifiers: ClinVar variation 2176615 (VCV002176615.1), dbSNP rs117728347, ClinGen allele CA10216691.